The following is an entry in ClinVar:

NM_000017.4(ACADS):c.931C>T (p.Gln311Ter)

Gene: ACADS (acyl-CoA dehydrogenase short chain; plus strand). Cytogenetic location: 12q24.31.
Variant type: single nucleotide variant.
Coding change: c.931C>T on transcript NM_000017.4 (MANE Select); coding-DNA position 931, C replaced by T.
Protein change: p.Gln311Ter; replaces glutamine 311 with a stop codon.
Molecular consequence: nonsense.
Genome position (GRCh38, 1-based): chr12:120,738,668, C>T. VCF-style: chr12-120738668-C-T. GRCh37 (hg19) VCF-style: chr12-121176471-C-T.
Other names: c.919C>T, p.Gln307Ter (NM_001302554.2); short protein forms Q311*, Q307*.
Identifiers: ClinVar variation 3010236 (VCV003010236.3), dbSNP rs2501198539, ClinGen allele CA386601394.

ClinVar aggregate classification (germline): Pathogenic (1 of 4 stars; one submission).

Conditions:
Deficiency of butyryl-CoA dehydrogenase (ACADSD). Also called: ACADS DEFICIENCY; SCADH DEFICIENCY; Short-Chain Acyl-CoA Dehydrogenase Deficiency; SCAD DEFICIENCY, MILD; ACYL-CoA DEHYDROGENASE, SHORT-CHAIN, DEFICIENCY OF; SCAD Deficiency. Identifiers: Orphanet 26792, MedGen C0342783, MONDO:0008722, OMIM 201470. Disease mechanism: May be benign.

Submission:

Labcorp Genetics (formerly Invitae), Labcorp
Classification: Pathogenic for Deficiency of butyryl-CoA dehydrogenase. Last evaluated: 2023-01-30. Review status: criteria provided, single submitter. Criteria: Invitae Variant Classification Sherloc (09022015). Collection method: clinical testing. Allele origin: germline.
Comment: This sequence change creates a premature translational stop signal (p.Gln311*) in the ACADS gene. It is expected to result in an absent or disrupted protein product. Loss-of-function variants in ACADS are known to be pathogenic (PMID: 12736383, 18523805). This variant is not present in population databases (gnomAD no frequency). This variant has not been reported in the literature in individuals affected with ACADS-related conditions. For these reasons, this variant has been classified as Pathogenic.

Literature cited by the submitters: PubMed 12736383; PubMed 18523805.